The following is an entry in ClinVar:

NM_003394.4(WNT10B):c.905G>A (p.Arg302His)

Gene: WNT10B (Wnt family member 10B; minus strand). Cytogenetic location: 12q13.12.
Variant type: single nucleotide variant.
Coding change: c.905G>A on transcript NM_003394.4 (MANE Select); coding-DNA position 905, G replaced by A.
Protein change: p.Arg302His; replaces arginine 302 with histidine.
Molecular consequence: missense variant.
Genome position (GRCh38, 1-based): chr12:48,966,360, C>T on the plus strand (G>A on the coding strand, the complement: WNT10B is on the minus strand). VCF-style: chr12-48966360-C-T. GRCh37 (hg19) VCF-style: chr12-49360143-C-T.
Other names: short protein forms R302H.
Identifiers: ClinVar variation 4201998 (VCV004201998.3).
Genomic context (GRCh38, chr12:48,966,360, plus strand): 5'-GGGTCTCGCTCACAGAAGTCAGGAGACTTCTCAAAGTAGACCAGCTCTCCTGAGAGGCGA[C>T]GGGGACGCAGACGGGGCTGGAAGGCTCCAGAATTGCGGTTGTGGGTATCAATGAAGATGG-3'
Protein context (NP_003385.2, residues 292-312): SGAFQPRLRP[Arg302His]RLSGELVYFE

ClinVar aggregate classification (germline): Uncertain significance. Review status: criteria provided, multiple submitters, no conflicts (2 of 4 stars). 2 submissions from 2 submitters: Uncertain significance (2). Last evaluated 2025-11-02.

Conditions:
Inborn genetic diseases. Identifiers: MedGen C0950123, MeSH D030342.

gnomAD v4.1: 93 of 1,614,070 alleles (0.0058%); highest among the groups gnomAD compares: Non-Finnish European, 0.0068%; no homozygotes.

Submissions (2):

Dasa
Classification: Uncertain significance. Last evaluated: 2025-11-02. Review status: criteria provided, single submitter. Criteria: DASA Assertion Criteria. Collection method: clinical testing. Allele origin: germline.
Comment: NM_003394.4(WNT10B):c.905G>A (p.Arg302His) is a missense variant that results in the substitution of arginine with histidine. This variant is rare in population databases. The currently available literature and clinical evidence are not sufficient to establish a definitive association between this variant and the reported condition. Therefore, this variant is classified as a variant of uncertain significance.

Ambry Genetics
Classification: Uncertain significance for Inborn genetic diseases. Last evaluated: 2025-08-01. Review status: criteria provided, single submitter. Criteria: Ambry Variant Classification Scheme 2023. Collection method: clinical testing. Allele origin: germline.